The following is an entry in ClinVar:

ClinVar aggregate classification (germline): Uncertain significance. Review status: criteria provided, multiple submitters, no conflicts (2 of 4 stars). 2 submissions from 2 submitters: Uncertain significance (2). Last evaluated 2025-07-02.

Conditions:
BBS1-related disorder. Also called: BBS1-related condition.
Bardet-Biedl syndrome (BBS). Identifiers: Orphanet 110, MedGen C0752166, MONDO:0015229.

Allele frequency attached by ClinVar (database versions not stated): gnomAD exomes below 0.00001; gnomAD 0.00003; TOPMed 0.00003; ESP Exome Variant Server 0.00008.
gnomAD v4.1: 7 of 1,614,068 alleles (0.00043%); highest among the groups gnomAD compares: African/African-American, 0.0093%; no homozygotes.

Submissions (2):

PreventionGenetics, part of Exact Sciences
Classification: Uncertain significance for BBS1-related condition. Last evaluated: 2025-07-02. Review status: criteria provided, single submitter. Criteria: ACMG Guidelines, 2015. Collection method: clinical testing. Allele origin: germline.
Comment: The BBS1 c.35G>A variant is predicted to result in the amino acid substitution p.Cys12Tyr. To our knowledge, this variant has not been reported in the literature or in a large population database (gnomAD), indicating this variant is rare. At this time, the clinical significance of this variant is uncertain due to the absence of conclusive functional and genetic evidence.

Labcorp Genetics (formerly Invitae), Labcorp
Classification: Uncertain significance for Bardet-Biedl syndrome. Last evaluated: 2022-07-12. Review status: criteria provided, single submitter. Criteria: Invitae Variant Classification Sherloc (09022015). Collection method: clinical testing. Allele origin: germline.
Comment: This sequence change replaces cysteine, which is neutral and slightly polar, with tyrosine, which is neutral and polar, at codon 12 of the BBS1 protein (p.Cys12Tyr). This variant is not present in population databases (gnomAD no frequency). This variant has not been reported in the literature in individuals affected with BBS1-related conditions. Algorithms developed to predict the effect of missense changes on protein structure and function (SIFT, PolyPhen-2, Align-GVGD) all suggest that this variant is likely to be tolerated. In summary, the available evidence is currently insufficient to determine the role of this variant in disease. Therefore, it has been classified as a Variant of Uncertain Significance.

NM_024649.5(BBS1):c.35G>A (p.Cys12Tyr)

Gene: BBS1 (Bardet-Biedl syndrome 1; plus strand). Cytogenetic location: 11q13.2.
Variant type: single nucleotide variant.
Coding change: c.35G>A on transcript NM_024649.5 (MANE Select); coding-DNA position 35, G replaced by A.
Protein change: p.Cys12Tyr; replaces cysteine 12 with tyrosine.
Molecular consequence: missense variant.
Genome position (GRCh38, 1-based): chr11:66,510,694, G>A. VCF-style: chr11-66510694-G-A. GRCh37 (hg19) VCF-style: chr11-66278165-G-A.
Other names: c.35G>A (NM_024649.4); short protein forms C12Y.
Identifiers: ClinVar variation 2141637 (VCV002141637.2), dbSNP rs377507675, ClinGen allele CA224071095.